The following is an entry in ClinVar:

NM_005228.5(EGFR):c.2212G>T (p.Val738Phe)

Gene: EGFR (epidermal growth factor receptor; plus strand). Cytogenetic location: 7p11.2.
Variant type: single nucleotide variant.
Coding change: c.2212G>T on transcript NM_005228.5 (MANE Select); coding-DNA position 2212, G replaced by T.
Protein change: p.Val738Phe; replaces valine 738 with phenylalanine.
Molecular consequence: missense variant.
Genome position (GRCh38, 1-based): chr7:55,174,749, G>T. VCF-style: chr7-55174749-G-T. GRCh37 (hg19) VCF-style: chr7-55242442-G-T.
Other names: c.2077G>T, p.Val693Phe (NM_001346897.2, NM_001346899.2); c.2212G>T, p.Val738Phe (NM_001346898.2); c.2053G>T, p.Val685Phe (NM_001346900.2); c.1411G>T, p.Val471Phe (NM_001346941.2); short protein forms V471F, V693F, V738F, V685F.
Identifiers: ClinVar variation 1345466 (VCV001345466.6), dbSNP rs2128954625, ClinGen allele CA367584056.

ClinVar aggregate classification (germline): Uncertain significance (1 of 4 stars; one submission).

Conditions:
EGFR-related lung cancer (EGFR). Identifiers: MedGen CN130014.

Allele frequency attached by ClinVar (database versions not stated): gnomAD exomes below 0.00001.
gnomAD v4.1: 1 of 1,614,056 alleles (0.000062%); highest among the groups gnomAD compares: Non-Finnish European, 0.000085%; no homozygotes.

Submission:

Labcorp Genetics (formerly Invitae), Labcorp
Classification: Uncertain significance for EGFR-related lung cancer. Last evaluated: 2021-08-29. Review status: criteria provided, single submitter. Criteria: Invitae Variant Classification Sherloc (09022015). Collection method: clinical testing. Allele origin: germline.
Comment: This variant is not present in population databases (ExAC no frequency). This sequence change replaces valine with phenylalanine at codon 738 of the EGFR protein (p.Val738Phe). The valine residue is highly conserved and there is a small physicochemical difference between valine and phenylalanine. This variant has not been reported in the literature in individuals affected with EGFR-related conditions. Algorithms developed to predict the effect of missense changes on protein structure and function are either unavailable or do not agree on the potential impact of this missense change (SIFT: "Deleterious"; PolyPhen-2: "Probably Damaging"; Align-GVGD: "Class C0"). In summary, the available evidence is currently insufficient to determine the role of this variant in disease. Therefore, it has been classified as a Variant of Uncertain Significance.